The following is an entry in ClinVar:

NM_001166108.2(PALLD):c.365C>T (p.Pro122Leu)

Gene: PALLD (palladin, cytoskeletal associated protein; plus strand). Cytogenetic location: 4q32.3.
Variant type: single nucleotide variant.
Coding change: c.365C>T on transcript NM_001166108.2 (MANE Select); coding-DNA position 365, C replaced by T.
Protein change: p.Pro122Leu; replaces proline 122 with leucine.
Molecular consequence: missense variant.
Genome position (GRCh38, 1-based): chr4:168,511,869, C>T. VCF-style: chr4-168511869-C-T. GRCh37 (hg19) VCF-style: chr4-169433020-C-T.
Other names: c.365C>T, p.Pro122Leu (NM_016081.4); short protein forms P122L.
Identifiers: ClinVar variation 348028 (VCV000348028.52), dbSNP rs116158771, ClinGen allele CA3135348.
Genomic context (GRCh38, chr4:168,511,869, plus strand): 5'-TCCAGCCTCTGGCAGAGAAACAAACTAAGAGTATCTCTTCACCTGTTTCAAAGAGGAAAC[C>T]TGCCATGTCACCCCTGCTCACCAGGCCCAGCTACATCCGGAGCCTCCGAAAGGCTGAAAA-3'
Protein context (NP_001159580.1, residues 112-132): SISSPVSKRK[Pro122Leu]AMSPLLTRPS

ClinVar aggregate classification (germline): Conflicting classifications of pathogenicity. Review status: criteria provided, conflicting classifications (1 of 4 stars). 6 submissions from 6 submitters: Uncertain significance (2); Benign (1); Likely benign (2). 1 of the submissions does not count toward it. Last evaluated 2024-11-13.

Conditions:
PALLD-related disorder. Also called: PALLD-related condition.
Pancreatic cancer, susceptibility to, 1. Identifiers: Orphanet 1333, MedGen C1847351, MONDO:0011739, OMIM 606856.

Allele frequency attached by ClinVar (database versions not stated): ESP Exome Variant Server 0.00015; TOPMed 0.00022; 1000 Genomes Project 30x 0.00031; 1000 Genomes Project 0.00040; gnomAD exomes 0.00042 and 0.00078; gnomAD 0.00064; ExAC 0.00075.
gnomAD v4.1: 715 of 1,614,094 alleles (0.044%); highest among the groups gnomAD compares: East Asian, 0.036%; 3 homozygotes.

Submissions (6):

Blueprint Genetics
Classification: Likely benign. Last evaluated: 2024-11-13. Review status: criteria provided, single submitter. Criteria: ACMG Guidelines, 2015. Collection method: clinical testing. Allele origin: germline.

Ambry Genetics
Classification: Uncertain significance. Last evaluated: 2022-10-03. Review status: criteria provided, single submitter. Criteria: Ambry Variant Classification Scheme 2023. Collection method: clinical testing. Allele origin: germline.
Comment: The p.P122L variant (also known as c.365C>T), located in coding exon 1 of the PALLD gene, results from a C to T substitution at nucleotide position 365. The proline at codon 122 is replaced by leucine, an amino acid with similar properties. This amino acid position is conserved. In addition, this alteration is predicted to be tolerated by in silico analysis. Since supporting evidence is limited at this time, the clinical significance of this alteration remains unclear.

Department of Pathology and Laboratory Medicine, Sinai Health System
Classification: Likely benign for Pancreatic cancer, susceptibility to, 1. Last evaluated: 2021-07-30. Review status: criteria provided, single submitter. Criteria: ACMG Guidelines, 2015. Collection method: research. Allele origin: germline.

Illumina Laboratory Services, Illumina
Classification: Benign for Pancreatic cancer, susceptibility to, 1. Last evaluated: 2018-01-13. Review status: criteria provided, single submitter. Criteria: ICSL Variant Classification Criteria 13 December 2019. Collection method: clinical testing. Allele origin: germline.
Comment: This variant was observed in the ICSL laboratory as part of a predisposition screen in an ostensibly healthy population. It had not been previously curated by ICSL or reported in the Human Gene Mutation Database (HGMD: prior to June 1st, 2018), and was therefore a candidate for classification through an automated scoring system. Utilizing variant allele frequency, disease prevalence and penetrance estimates, and inheritance mode, an automated score was calculated to assess if this variant is too frequent to cause the disease. Based on the score and internal cut-off values, a variant classified as benign is not then subjected to further curation. The score for this variant resulted in a classification of benign for this disease.

CeGaT Center for Human Genetics Tuebingen
Classification: Uncertain significance. Last evaluated: 2017-08-01. Review status: criteria provided, single submitter. Criteria: CeGaT Center For Human Genetics Tuebingen Variant Classification Criteria Version 2. Collection method: clinical testing. Allele origin: germline. Affected: yes. Observed: 1 variant allele.

PreventionGenetics, part of Exact Sciences
Classification: Benign for PALLD-related condition. Last evaluated: 2020-07-28. Review status: no assertion criteria provided. Collection method: clinical testing. Allele origin: germline. Not counted in ClinVar's aggregate classification.
Comment: This variant is classified as benign based on ACMG/AMP sequence variant interpretation guidelines (Richards et al. 2015 PMID: 25741868, with internal and published modifications).